The following is an entry in ClinVar:

ClinVar aggregate classification (germline): Uncertain significance (1 of 4 stars; one submission).

Conditions:
Cardiovascular phenotype. Identifiers: MedGen CN230736.

Submission:

Ambry Genetics
Classification: Uncertain significance for Cardiovascular phenotype. Last evaluated: 2026-09-11. Review status: criteria provided, single submitter. Criteria: Ambry Variant Classification Scheme 2023. Collection method: clinical testing. Allele origin: germline.
Comment: The p.L4272V variant (also known as c.12814C>G), located in coding exon 29 of the APOB gene, results from a C to G substitution at nucleotide position 12814. The leucine at codon 4272 is replaced by valine, an amino acid with highly similar properties. This amino acid position is conserved. In addition, this alteration is predicted to be tolerated by in silico analysis. Based on the available evidence, the clinical significance of this variant remains unclear.

NM_000384.3(APOB):c.12814C>G (p.Leu4272Val)

Gene: APOB (apolipoprotein B; minus strand). Cytogenetic location: 2p24.1.
Variant type: single nucleotide variant.
Coding change: c.12814C>G on transcript NM_000384.3 (MANE Select); coding-DNA position 12814, C replaced by G.
Protein change: p.Leu4272Val; replaces leucine 4272 with valine.
Molecular consequence: missense variant.
Genome position (GRCh38, 1-based): chr2:21,002,608, G>C on the plus strand (C>G on the coding strand, the complement: APOB is on the minus strand). VCF-style: chr2-21002608-G-C. GRCh37 (hg19) VCF-style: chr2-21225480-G-C.
Other names: short protein forms L4272V.
Identifiers: ClinVar variation 3933755 (VCV003933755.2).